The following is an entry in ClinVar:

ClinVar aggregate classification (germline): Likely benign. Review status: criteria provided, multiple submitters, no conflicts (2 of 4 stars). 2 submissions from 2 submitters: Likely benign (2). Last evaluated 2023-06-07.

Submissions (2):

Blueprint Genetics
Classification: Likely benign. Last evaluated: 2023-06-07. Review status: criteria provided, single submitter. Criteria: ACMG Guidelines, 2015. Collection method: clinical testing. Allele origin: germline.

CeGaT Center for Human Genetics Tuebingen
Classification: Likely benign. Last evaluated: 2023-01-01. Review status: criteria provided, single submitter. Criteria: CeGaT Center For Human Genetics Tuebingen Variant Classification Criteria Version 2. Collection method: clinical testing. Allele origin: germline. Affected: yes. Observed: 1 variant allele.
Comment: COL11A1: PM2:Supporting, BP4, BP7

NM_001854.4(COL11A1):c.246C>G (p.Leu82=)

Gene: COL11A1 (collagen type XI alpha 1 chain; minus strand). Cytogenetic location: 1p21.1.
Variant type: single nucleotide variant.
Coding change: c.246C>G on transcript NM_001854.4 (MANE Select); coding-DNA position 246, C replaced by G.
Protein change: p.Leu82=; no amino-acid change (leucine 82 retained).
Molecular consequence: synonymous variant. On other transcripts: non-coding transcript variant (1).
Genome position (GRCh38, 1-based): chr1:103,082,833, G>C on the plus strand (C>G on the coding strand, the complement: COL11A1 is on the minus strand). VCF-style: chr1-103082833-G-C. GRCh37 (hg19) VCF-style: chr1-103548389-G-C.
Other names: c.246C>G, p.Leu82= (NM_001168249.1, NM_001190709.2, NM_080629.3 and 1 more transcripts).
Identifiers: ClinVar variation 2638957 (VCV002638957.25), dbSNP rs2526236172, ClinGen allele CA419207887.
Genomic context (GRCh38, chr1:103,082,833, plus strand): 5'-TAATAACAATAATAATAATAAAGTGAATATACCTGGAAATAACTGTTTTGTTGGGGCACT[G>C]AGTTGTGCTTGCTTTGAAACTCTGTAAGCAGTATCTGAGCCTTTAGAATTCTTTCTGTTT-3'
Protein context (NP_001845.3, residues 72-92): TAYRVSKQAQ[Leu82=]SAPTKQLFPG